The following is an entry in ClinVar:

ClinVar aggregate classification (germline): Likely benign. Review status: criteria provided, multiple submitters, no conflicts (2 of 4 stars). 2 submissions from 2 submitters: Likely benign (2). Last evaluated 2023-03-27.

Conditions:
Fanconi anemia (FA). Also called: Fanconi's anemia. Identifiers: Orphanet 84, MedGen C0015625, MeSH D005199, MONDO:0019391.

gnomAD v4.1: 8 of 1,613,534 alleles (0.0005%); highest among the groups gnomAD compares: Non-Finnish European, 0.00068%; no homozygotes.

Submissions (2):

Labcorp Genetics (formerly Invitae), Labcorp
Classification: Likely benign for Fanconi anemia. Last evaluated: 2023-03-27. Review status: criteria provided, single submitter. Criteria: Invitae Variant Classification Sherloc (09022015). Collection method: clinical testing. Allele origin: germline.

GeneDx
Classification: Likely benign. Last evaluated: 2017-11-21. Review status: criteria provided, single submitter. Criteria: GeneDx Variant Classification (06012015). Collection method: clinical testing. Allele origin: germline. Affected: yes.
Comment: This variant is considered likely benign or benign based on one or more of the following criteria: it is a conservative change, it occurs at a poorly conserved position in the protein, it is predicted to be benign by multiple in silico algorithms, and/or has population frequency not consistent with disease.

NM_000136.3(FANCC):c.-19C>A

Gene: FANCC (FA complementation group C; minus strand). Cytogenetic location: 9q22.32.
Variant type: single nucleotide variant.
Coding change: c.-19C>A on transcript NM_000136.3 (MANE Select); 19 bases upstream of the start codon, C replaced by A.
Molecular consequence: 5 prime UTR variant.
Genome position (GRCh38, 1-based): chr9:95,249,310, G>T on the plus strand (C>A on the coding strand, the complement: FANCC is on the minus strand). VCF-style: chr9-95249310-G-T. GRCh37 (hg19) VCF-style: chr9-98011592-G-T.
Other names: c.-19C>A (NM_001243743.2, NM_001243744.2).
Identifiers: ClinVar variation 513741 (VCV000513741.11), dbSNP rs772475410, ClinGen allele CA589584364.